The following is an entry in ClinVar:

NM_139057.4(ADAMTS17):c.937_938delinsCT (p.Glu313Leu)

Gene: ADAMTS17 (ADAM metallopeptidase with thrombospondin type 1 motif 17; minus strand). Cytogenetic location: 15q26.3.
Variant type: Indel.
Coding change: c.937_938delinsCT on transcript NM_139057.4 (MANE Select); coding-DNA positions 937 to 938, GA replaced by CT.
Protein change: p.Glu313Leu; replaces glutamic acid 313 with leucine.
Molecular consequence: missense variant.
Genome position (GRCh38, 1-based): chr15:100,261,572-100,261,573, TC replaced by AG on the plus strand (GA replaced by CT on the coding strand, the reverse complement: ADAMTS17 is on the minus strand). VCF-style: chr15-100261572-TC-AG. GRCh37 (hg19) VCF-style: chr15-100801777-TC-AG.
Other names: short protein forms E313L.
Identifiers: ClinVar variation 1967651 (VCV001967651.5), dbSNP rs2548794472, ClinGen allele CA2580089764.

ClinVar aggregate classification (germline): Uncertain significance (1 of 4 stars; one submission).

Submission:

Labcorp Genetics (formerly Invitae), Labcorp
Classification: Uncertain significance. Last evaluated: 2022-03-23. Review status: criteria provided, single submitter. Criteria: Invitae Variant Classification Sherloc (09022015). Collection method: clinical testing. Allele origin: germline.
Comment: In summary, the available evidence is currently insufficient to determine the role of this variant in disease. Therefore, it has been classified as a Variant of Uncertain Significance. Algorithms developed to predict the effect of missense changes on protein structure and function are either unavailable or do not agree on the potential impact of this missense change (SIFT: "Not Available"; PolyPhen-2: "Probably Damaging"; Align-GVGD: "Not Available"). This variant has not been reported in the literature in individuals affected with ADAMTS17-related conditions. This variant is present in population databases (no rsID available, gnomAD 0.2%). This sequence change replaces glutamic acid, which is acidic and polar, with leucine, which is neutral and non-polar, at codon 313 of the ADAMTS17 protein (p.Glu313Leu).